The following is an entry in ClinVar:

ClinVar aggregate classification (germline): Uncertain significance (1 of 4 stars; one submission).

Submission:

Dasa
Classification: Uncertain significance. Last evaluated: 2025-05-22. Review status: criteria provided, single submitter. Criteria: DASA Assertion Criteria. Collection method: clinical testing. Allele origin: germline.
Comment: NM_001457.4(FLNB):c.5728+2_5728+5del is a splice-region variant predicted to affect normal RNA splicing. This variant is rare in population databases. The currently available literature and clinical evidence are not sufficient to establish a definitive association between this variant and the reported condition. Therefore, this variant is classified as a variant of uncertain significance.

NM_001457.4(FLNB):c.5728+2_5728+5del

Gene: FLNB (filamin B; plus strand). Cytogenetic location: 3p14.3.
Variant type: Deletion.
Coding change: c.5728+2_5728+5del on transcript NM_001457.4 (MANE Select); the canonical splice donor site of the intron after coding-DNA position 5728 through 5 bases into the intron after coding-DNA position 5728, 4 bases deleted (TAGG; older notation c.5728+2_5728+5delTAGG).
Molecular consequence: splice donor variant.
Genome position (GRCh38, 1-based): chr3:58,146,995-58,146,998, TAGG deleted; deleting any 4 consecutive bases within chr3:58,146,992-58,146,998 gives the same sequence; the c. name uses the placement nearest the transcript's 3' end. VCF-style (leftmost placement, unchanged base first): chr3-58146991-CAGGT-C. GRCh37 (hg19) VCF-style: chr3-58132718-CAGGT-C.
Other names: c.5821+2_5821+5del (NM_001164317.2); c.5695+2_5695+5del (NM_001164318.2); c.5656+2_5656+5del (NM_001164319.2).
Identifiers: ClinVar variation 4852725 (VCV004852725.2).